The following is an entry in ClinVar:

NM_000051.4(ATM):c.6503C>G (p.Ser2168Trp)

Genes: ATM (ATM serine/threonine kinase; plus strand), C11orf65 (chromosome 11 open reading frame 65; minus strand). Cytogenetic location: 11q22.3.
Variant type: single nucleotide variant.
Coding change: c.6503C>G on transcript NM_000051.4 (MANE Select); coding-DNA position 6503, C replaced by G.
Protein change: p.Ser2168Trp; replaces serine 2168 with tryptophan.
Molecular consequence: missense variant. On other transcripts: intron variant (2).
Genome position (GRCh38, 1-based): chr11:108,321,351, C>G. VCF-style: chr11-108321351-C-G. GRCh37 (hg19) VCF-style: chr11-108192078-C-G.
Other names: c.6503C>G, p.Ser2168Trp (NM_001351834.2); c.641-12280G>C (NM_001330368.2); c.*39-12280G>C (NM_001351110.2); short protein forms S2168W.
Identifiers: ClinVar variation 1058830 (VCV001058830.10), dbSNP rs200431631, ClinGen allele CA228406700.

ClinVar aggregate classification (germline): Uncertain significance. Review status: criteria provided, multiple submitters, no conflicts (2 of 4 stars). 2 submissions from 2 submitters: Uncertain significance (2). Last evaluated 2026-03-16.

Conditions:
Ataxia-telangiectasia syndrome (AT). Also called: Ataxia telangiectasia (A-T); ATAXIA-TELANGIECTASIA, COMPLEMENTATION GROUP A; ATAXIA-TELANGIECTASIA, FRESNO VARIANT; Ataxia-telangiectasia; Ataxia-telangiectasia, complementation group E; LOUIS-BAR SYNDROME. Identifiers: Orphanet 100, MedGen C0004135, MONDO:0008840, OMIM 208900.
Hereditary cancer-predisposing syndrome. Also called: Neoplastic Syndromes, Hereditary; Tumor predisposition; Hereditary Cancer Syndrome; Hereditary neoplastic syndrome. Identifiers: Orphanet 140162, MedGen C0027672, MeSH D009386, MONDO:0015356.

Submissions (2):

Ambry Genetics
Classification: Uncertain significance for Hereditary cancer-predisposing syndrome. Last evaluated: 2026-03-16. Review status: criteria provided, single submitter. Criteria: Ambry Variant Classification Scheme 2023. Collection method: clinical testing. Allele origin: germline.
Comment: The p.S2168W variant (also known as c.6503C>G), located in coding exon 44 of the ATM gene, results from a C to G substitution at nucleotide position 6503. The serine at codon 2168 is replaced by tryptophan, an amino acid with highly dissimilar properties. In an assay testing ATM function, this variant showed a functionally abnormal result (Lee KS et al. Cell, 2025 Sep;188:5081-5099.e27). This amino acid position is highly conserved in available vertebrate species. In addition, this alteration is predicted to be deleterious by in silico analysis. Based on the available evidence, the clinical significance of this variant remains unclear.

Labcorp Genetics (formerly Invitae), Labcorp
Classification: Uncertain significance for Ataxia-telangiectasia syndrome. Last evaluated: 2024-02-13. Review status: criteria provided, single submitter. Criteria: Invitae Variant Classification Sherloc (09022015). Collection method: clinical testing. Allele origin: germline.
Comment: This sequence change replaces serine, which is neutral and polar, with tryptophan, which is neutral and slightly polar, at codon 2168 of the ATM protein (p.Ser2168Trp). This variant is not present in population databases (gnomAD no frequency). This variant has not been reported in the literature in individuals affected with ATM-related conditions. ClinVar contains an entry for this variant (Variation ID: 1058830). An algorithm developed to predict the effect of missense changes on protein structure and function (PolyPhen-2) suggests that this variant is likely to be disruptive. In summary, the available evidence is currently insufficient to determine the role of this variant in disease. Therefore, it has been classified as a Variant of Uncertain Significance.

Literature cited by the submitters: PubMed 40580951 (cited by Ambry Genetics).